The following is an entry in ClinVar:

NM_001844.5(COL2A1):c.1122+4C>T

Gene: COL2A1 (collagen type II alpha 1 chain; minus strand). Cytogenetic location: 12q13.11.
Variant type: single nucleotide variant.
Coding change: c.1122+4C>T on transcript NM_001844.5 (MANE Select); 4 bases into the intron after coding-DNA position 1122, C replaced by T.
Molecular consequence: intron variant.
Genome position (GRCh38, 1-based): chr12:47,989,224, G>A on the plus strand (C>T on the coding strand, the complement: COL2A1 is on the minus strand). VCF-style: chr12-47989224-G-A. GRCh37 (hg19) VCF-style: chr12-48383007-G-A.
Other names: c.915+4C>T (NM_033150.3).
Identifiers: ClinVar variation 513553 (VCV000513553.5), dbSNP rs1041494793, ClinGen allele CA236528577.

ClinVar aggregate classification (germline): Conflicting classifications of pathogenicity. Review status: criteria provided, conflicting classifications (1 of 4 stars). 2 submissions from 2 submitters: Uncertain significance (1); Likely benign (1). Last evaluated 2023-07-19.

Allele frequency attached by ClinVar (database versions not stated): gnomAD exomes 0.00001; gnomAD 0.00001 and 0.00002; TOPMed 0.00002.

Submissions (2):

Labcorp Genetics (formerly Invitae), Labcorp
Classification: Uncertain significance. Last evaluated: 2023-07-19. Review status: criteria provided, single submitter. Criteria: Invitae Variant Classification Sherloc (09022015). Collection method: clinical testing. Allele origin: germline.
Comment: This sequence change falls in intron 18 of the COL2A1 gene. It does not directly change the encoded amino acid sequence of the COL2A1 protein. It affects a nucleotide within the consensus splice site. The frequency data for this variant in the population databases is considered unreliable, as metrics indicate poor data quality at this position in the gnomAD database. This variant has not been reported in the literature in individuals affected with COL2A1-related conditions. ClinVar contains an entry for this variant (Variation ID: 513553). Variants that disrupt the consensus splice site are a relatively common cause of aberrant splicing (PMID: 17576681, 9536098). Algorithms developed to predict the effect of sequence changes on RNA splicing suggest that this variant is not likely to affect RNA splicing. In summary, the available evidence is currently insufficient to determine the role of this variant in disease. Therefore, it has been classified as a Variant of Uncertain Significance.

GeneDx
Classification: Likely benign. Last evaluated: 2017-11-28. Review status: criteria provided, single submitter. Criteria: GeneDx Variant Classification (06012015). Collection method: clinical testing. Allele origin: germline. Affected: yes.
Comment: This variant is considered likely benign or benign based on one or more of the following criteria: it is a conservative change, it occurs at a poorly conserved position in the protein, it is predicted to be benign by multiple in silico algorithms, and/or has population frequency not consistent with disease.

Literature cited by the submitters: PubMed 17576681 (cited by Labcorp Genetics (formerly Invitae), Labcorp); PubMed 9536098 (cited by Labcorp Genetics (formerly Invitae), Labcorp).